The following is an entry in ClinVar:

ClinVar aggregate classification (germline): Likely benign. Review status: criteria provided, single submitter (1 of 4 stars). 2 submissions from 2 submitters: Likely benign (1). 1 of the submissions does not count toward it. Last evaluated 2022-12-01.

Conditions:
PIK3C2B-related disorder. Also called: PIK3C2B-related condition.

Allele frequency attached by ClinVar (database versions not stated): 1000 Genomes Project 0.00339; 1000 Genomes Project 30x 0.00359; TOPMed 0.00560; ESP Exome Variant Server 0.00577; gnomAD 0.00585; gnomAD exomes 0.00733; ExAC 0.01040.
gnomAD v4.1: 11,267 of 1,566,172 alleles (0.72%); highest among the groups gnomAD compares: Non-Finnish European, 0.82%; 57 homozygotes.

Submissions (2):

CeGaT Center for Human Genetics Tuebingen
Classification: Likely benign. Last evaluated: 2022-12-01. Review status: criteria provided, single submitter. Criteria: CeGaT Center For Human Genetics Tuebingen Variant Classification Criteria Version 2. Collection method: clinical testing. Allele origin: germline. Affected: yes. Observed: 1 variant allele.
Comment: PIK3C2B: BP4, BS2

PreventionGenetics, part of Exact Sciences
Classification: Likely benign for PIK3C2B-related condition. Last evaluated: 2019-03-11. Review status: no assertion criteria provided. Collection method: clinical testing. Allele origin: germline. Not counted in ClinVar's aggregate classification.
Comment: This variant is classified as likely benign based on ACMG/AMP sequence variant interpretation guidelines (Richards et al. 2015 PMID: 25741868, with internal and published modifications).

NM_001377334.1(PIK3C2B):c.1729G>T (p.Ala577Ser)

Gene: PIK3C2B (phosphatidylinositol-4-phosphate 3-kinase catalytic subunit type 2 beta; minus strand). Cytogenetic location: 1q32.1.
Variant type: single nucleotide variant.
Coding change: c.1729G>T on transcript NM_001377334.1 (MANE Select); coding-DNA position 1729, G replaced by T.
Protein change: p.Ala577Ser; replaces alanine 577 with serine.
Molecular consequence: missense variant.
Genome position (GRCh38, 1-based): chr1:204,457,055, C>A on the plus strand (G>T on the coding strand, the complement: PIK3C2B is on the minus strand). VCF-style: chr1-204457055-C-A. GRCh37 (hg19) VCF-style: chr1-204426183-C-A.
Other names: c.1729G>T, p.Ala577Ser (NM_001377335.1, NM_002646.4); c.1729G>T (NM_002646.3); short protein forms A577S.
Identifiers: ClinVar variation 2639828 (VCV002639828.25), dbSNP rs61762602, ClinGen allele CA1347898.